The following is an entry in ClinVar:

ClinVar aggregate classification (germline): Pathogenic (1 of 4 stars; one submission).

Submission:

Labcorp Genetics (formerly Invitae), Labcorp
Classification: Pathogenic. Last evaluated: 2025-04-10. Review status: criteria provided, single submitter. Criteria: Invitae Variant Classification Sherloc (09022015). Collection method: clinical testing. Allele origin: germline.
Comment: This sequence change creates a premature translational stop signal (p.Thr604Asnfs*17) in the ANK1 gene. It is expected to result in an absent or disrupted protein product. Loss-of-function variants in ANK1 are known to be pathogenic (PMID: 8640229). This variant is not present in population databases (gnomAD no frequency). This variant has not been reported in the literature in individuals affected with ANK1-related conditions. For these reasons, this variant has been classified as Pathogenic.

Literature cited by the submitters: PubMed 8640229.

NM_000037.4(ANK1):c.1810dup (p.Thr604fs)

Gene: ANK1 (ankyrin 1; minus strand). Cytogenetic location: 8p11.21.
Variant type: Duplication.
Coding change: c.1810dup on transcript NM_000037.4 (MANE Select); coding-DNA position 1810, one base duplicated (A; older notation c.1810dupA).
Protein change: p.Thr604fs; shifts the reading frame from threonine 604.
Molecular consequence: frameshift variant.
Genome position (GRCh38, 1-based): chr8:41,708,966, T duplicated on the plus strand (A on the coding strand, the reverse complement: ANK1 is on the minus strand). VCF-style (leftmost placement, unchanged base first): chr8-41708965-G-GT. GRCh37 (hg19) VCF-style: chr8-41566483-G-GT.
Other names: c.1909dup, p.Thr637fs (NM_001142446.2); c.1810dup, p.Thr604fs (NM_020475.3, NM_020476.3, NM_020477.3); short protein forms T604fs, T637fs.
Identifiers: ClinVar variation 4717107 (VCV004717107.1).
Genomic context (GRCh38, chr8:41,708,965, plus strand): 5'-TACTGCAGCAGACTACGGGCCACCTCCACCTGGTTCTGCTTGGCAGCGATGTGCAAAGGG[G>GT]TGTAGCCATTCTGAAACAGAAGAAGCCGCCCAGAGCCTGGTTACAGGAATGCTGAGCTGA-3'